The following is an entry in ClinVar:

NM_032119.4(ADGRV1):c.8995C>G (p.Gln2999Glu)

Gene: ADGRV1 (adhesion G protein-coupled receptor V1; plus strand). Cytogenetic location: 5q14.3.
Variant type: single nucleotide variant.
Coding change: c.8995C>G on transcript NM_032119.4 (MANE Select); coding-DNA position 8995, C replaced by G.
Protein change: p.Gln2999Glu; replaces glutamine 2999 with glutamic acid.
Molecular consequence: missense variant. On other transcripts: non-coding transcript variant (1).
Genome position (GRCh38, 1-based): chr5:90,711,275, C>G. VCF-style: chr5-90711275-C-G. GRCh37 (hg19) VCF-style: chr5-90007092-C-G.
Other names: short protein forms Q2999E.
Identifiers: ClinVar variation 228727 (VCV000228727.14), dbSNP rs200503628, ClinGen allele CA3340414.

ClinVar aggregate classification (germline): Conflicting classifications of pathogenicity. Review status: criteria provided, conflicting classifications (1 of 4 stars). 5 submissions from 5 submitters: Uncertain significance (4); Likely benign (1). Last evaluated 2026-01-19.

Conditions:
Febrile seizures, familial, 4 (FEB4). Also called: CONVULSIONS, FAMILIAL FEBRILE, 4. Identifiers: MedGen C1858493, MONDO:0011443, OMIM 604352.

Allele frequency attached by ClinVar (database versions not stated): ExAC 0.00007; gnomAD 0.00007 and 0.00009; TOPMed 0.00011; ESP Exome Variant Server 0.00017.
gnomAD v4.1: 93 of 1,612,970 alleles (0.0058%); highest among the groups gnomAD compares: Middle Eastern, 0.016%; no homozygotes.

Submissions (5):

Labcorp Genetics (formerly Invitae), Labcorp
Classification: Likely benign. Last evaluated: 2026-01-19. Review status: criteria provided, single submitter. Criteria: Invitae Variant Classification Sherloc (09022015). Collection method: clinical testing. Allele origin: germline.

GeneDx
Classification: Uncertain significance. Last evaluated: 2024-12-17. Review status: criteria provided, single submitter. Criteria: GeneDx Variant Classification Process June 2021. Collection method: clinical testing. Allele origin: germline. Affected: yes.
Comment: Reported without a second variant in a cohort of individuals with syndromic or non-syndromic blindness (PMID: 32483926); proband clinical information not provided; In silico analysis indicates that this missense variant does not alter protein structure/function; This variant is associated with the following publications: (PMID: 32483926, 37217489)

Blueprint Genetics
Classification: Uncertain significance. Last evaluated: 2024-10-21. Review status: criteria provided, single submitter. Criteria: ACMG Guidelines, 2015. Collection method: clinical testing. Allele origin: germline.

New York Genome Center
Classification: Uncertain significance for Febrile seizures, familial, 4. Last evaluated: 2020-02-20. Review status: criteria provided, single submitter. Criteria: NYGC Assertion Criteria 2020. Collection method: clinical testing. Allele origin: germline. Observed: 1 heterozygote. Study: CSER-NYCKidSeq.

Laboratory for Molecular Medicine, Mass General Brigham Personalized Medicine
Classification: Uncertain significance. Last evaluated: 2017-01-26. Review status: criteria provided, single submitter. Criteria: LMM Criteria. Collection method: clinical testing. Allele origin: germline. Observed: 2 variant alleles.
Comment: This variant has been identified in 8/66594 European chromosomes by the Exome Aggregation Consortium (ExAC; dbSNP rs200503628). Although this variant has been seen in the general population, its frequency is not high enough to rule out a pathogenic ro le. Computational prediction tools and conservation analyses suggest that this v ariant may impact the protein, though this information is not predictive enough to determine pathogenicity. In summary, the clinical significance of the p.Gln29 99Glu variant is uncertain.